The following is an entry in ClinVar:

NM_199420.4(POLQ):c.7157G>A (p.Cys2386Tyr)

Gene: POLQ (DNA polymerase theta; minus strand). Cytogenetic location: 3q13.33.
Variant type: single nucleotide variant.
Coding change: c.7157G>A on transcript NM_199420.4 (MANE Select); coding-DNA position 7157, G replaced by A.
Protein change: p.Cys2386Tyr; replaces cysteine 2386 with tyrosine.
Molecular consequence: missense variant.
Genome position (GRCh38, 1-based): chr3:121,449,422, C>T on the plus strand (G>A on the coding strand, the complement: POLQ is on the minus strand). VCF-style: chr3-121449422-C-T. GRCh37 (hg19) VCF-style: chr3-121168269-C-T.
Other names: short protein forms C2386Y.
Identifiers: ClinVar variation 2448692 (VCV002448692.2), dbSNP rs374235727, ClinGen allele CA2562255.

ClinVar aggregate classification (germline): Uncertain significance (1 of 4 stars; one submission).

Allele frequency attached by ClinVar (database versions not stated): ExAC 0.00001; gnomAD 0.00002; gnomAD exomes 0.00004; TOPMed 0.00005; ESP Exome Variant Server 0.00008.
gnomAD v4.1: 65 of 1,540,956 alleles (0.0042%); highest among the groups gnomAD compares: Non-Finnish European, 0.0054%; no homozygotes.

Submission:

Ambry Genetics
Classification: Uncertain significance. Last evaluated: 2022-11-20. Review status: criteria provided, single submitter. Criteria: Ambry Variant Classification Scheme 2023. Collection method: clinical testing. Allele origin: germline.
Comment: The p.C2386Y variant (also known as c.7157G>A), located in coding exon 26 of the POLQ gene, results from a G to A substitution at nucleotide position 7157. The cysteine at codon 2386 is replaced by tyrosine, an amino acid with highly dissimilar properties. This amino acid position is conserved. In addition, this alteration is predicted to be deleterious by in silico analysis. Since supporting evidence is limited at this time, the clinical significance of this alteration remains unclear.